The following is an entry in ClinVar:

ClinVar aggregate classification (germline): Likely benign. Review status: criteria provided, multiple submitters, no conflicts (2 of 4 stars). 3 submissions from 3 submitters: Likely benign (2). 1 of the submissions does not count toward it. Last evaluated 2025-12-09.

Conditions:
SLC25A3-related disorder. Also called: SLC25A3-related condition.

Allele frequency attached by ClinVar (database versions not stated): TOPMed 0.00002; ExAC 0.00004; gnomAD exomes 0.00004 and 0.00006; gnomAD 0.00006; ESP Exome Variant Server 0.00008.
gnomAD v4.1: 92 of 1,610,262 alleles (0.0057%); highest among the groups gnomAD compares: Non-Finnish European, 0.0076%; no homozygotes.

Submissions (3):

Labcorp Genetics (formerly Invitae), Labcorp
Classification: Likely benign. Last evaluated: 2025-12-09. Review status: criteria provided, single submitter. Criteria: Invitae Variant Classification Sherloc (09022015). Collection method: clinical testing. Allele origin: germline.

GeneDx
Classification: Likely benign. Last evaluated: 2015-11-03. Review status: criteria provided, single submitter. Criteria: GeneDx Variant Classification (06012015). Collection method: clinical testing. Allele origin: germline. Affected: yes.
Comment: This variant is considered likely benign or benign based on one or more of the following criteria: it is a conservative change, it occurs at a poorly conserved position in the protein, it is predicted to be benign by multiple in silico algorithms, and/or has population frequency not consistent with disease.

PreventionGenetics, part of Exact Sciences
Classification: Likely benign for SLC25A3-related condition. Last evaluated: 2020-07-07. Review status: no assertion criteria provided. Collection method: clinical testing. Allele origin: germline. Not counted in ClinVar's aggregate classification.
Comment: This variant is classified as likely benign based on ACMG/AMP sequence variant interpretation guidelines (Richards et al. 2015 PMID: 25741868, with internal and published modifications).

NM_002635.4(SLC25A3):c.641+7A>G

Gene: SLC25A3 (solute carrier family 25 member 3; plus strand). Cytogenetic location: 12q23.1.
Variant type: single nucleotide variant.
Coding change: c.641+7A>G on transcript NM_002635.4 (MANE Select); 7 bases into the intron after coding-DNA position 641, A replaced by G.
Molecular consequence: intron variant.
Genome position (GRCh38, 1-based): chr12:98,598,710, A>G. VCF-style: chr12-98598710-A-G. GRCh37 (hg19) VCF-style: chr12-98992488-A-G.
Other names: c.641+7A>G (NM_213611.3); c.644+7A>G (NM_005888.4).
Identifiers: ClinVar variation 381283 (VCV000381283.7), dbSNP rs373128658, ClinGen allele CA6733016.